The following is an entry in ClinVar:

ClinVar aggregate classification (germline): Pathogenic (1 of 4 stars; one submission).

Conditions:
Cockayne syndrome type 1. Also called: Cockayne syndrome type I; Cockayne syndrome classical; Cockayne syndrome classic form. Identifiers: Orphanet 191, Orphanet 90321, MedGen C0751039, MONDO:0019569, OMIM 216400.

Submission:

Systems Biology Laboratory, Department of Convergent Bioscience and Informatics, Chungnam National University
Classification: Pathogenic for Cockayne syndrome type 1. Last evaluated: 2026-10-01. Review status: criteria provided, single submitter. Criteria: ACMG Guidelines, 2015. Collection method: research. Allele origin: unknown. Inheritance: Autosomal recessive inheritance. Affected: yes. Observed: 1 variant allele, 1 compound heterozygote.
Comment: PVS1 (complex deletion-inversion-deletion removing exon 4; exon 4 skipping demonstrated at the cDNA level in carriers of the same founder rearrangement, PMID:28333167; predicted frameshift p.(Asp93LeufsTer26), 8) + PM3_VeryStrong (recurrent East Asian founder allele observed in multiple homozygous and compound heterozygous patients with Cockayne syndrome A, PMID:28333167; PMID:29057985; PMID:39187681, 8) + PM2_Supporting (gnomAD-SV v4 CPX_chr5_80ac93fa AC 3/126,092, no homozygotes, 1) = 17 points.

Literature cited by the submitters: PubMed 28333167; PubMed 29057985; PubMed 39187681.

NC_000005.10:g.[60915708_60916262delinsATTAAGTA;60916263_60917918inv;60917919_60921286del]

Genes: ERCC8 (ERCC excision repair 8, CSA ubiquitin ligase complex subunit; minus strand), ERCC8-AS1 (ERCC8 antisense RNA 1; plus strand). Cytogenetic location: 5q12.1.
Variant type: Complex.
Other names: NM_000082.4:c.[275+768_399+346del;399+347_399+2002inv;399+2003_399+2557delinsTACTTAAT].
Identifiers: ClinVar variation 5042732 (VCV005042732.1).